The following is an entry in ClinVar:

NM_001352754.2(ARMC9):c.487T>A (p.Phe163Ile)

Gene: ARMC9 (armadillo repeat containing 9; plus strand). Cytogenetic location: 2q37.1.
Variant type: single nucleotide variant.
Coding change: c.487T>A on transcript NM_001352754.2 (MANE Select); coding-DNA position 487, T replaced by A.
Protein change: p.Phe163Ile; replaces phenylalanine 163 with isoleucine.
Molecular consequence: missense variant. On other transcripts: non-coding transcript variant (1).
Genome position (GRCh38, 1-based): chr2:231,216,776, T>A. VCF-style: chr2-231216776-T-A. GRCh37 (hg19) VCF-style: chr2-232081489-T-A.
Other names: c.487T>A, p.Phe163Ile (NM_001271466.4, NM_001291656.2, NM_001352755.2 and 5 more transcripts); short protein forms F163I.
Identifiers: ClinVar variation 1971817 (VCV001971817.5), dbSNP rs1405827524, ClinGen allele CA350947344.

ClinVar aggregate classification (germline): Uncertain significance (1 of 4 stars; one submission).

Allele frequency attached by ClinVar (database versions not stated): gnomAD exomes below 0.00001; TOPMed below 0.00001.
gnomAD v4.1: 1 of 1,612,846 alleles (0.000062%); highest among the groups gnomAD compares: African/African-American, 0.0013%; no homozygotes.

Submission:

Labcorp Genetics (formerly Invitae), Labcorp
Classification: Uncertain significance. Last evaluated: 2025-08-21. Review status: criteria provided, single submitter. Criteria: Invitae Variant Classification Sherloc (09022015). Collection method: clinical testing. Allele origin: germline.
Comment: This sequence change replaces phenylalanine, which is neutral and non-polar, with isoleucine, which is neutral and non-polar, at codon 163 of the ARMC9 protein (p.Phe163Ile). This variant is present in population databases (no rsID available, gnomAD 0.007%). This variant has not been reported in the literature in individuals affected with ARMC9-related conditions. ClinVar contains an entry for this variant (Variation ID: 1971817). Experimental studies and prediction algorithms are not available or were not evaluated, and the functional significance of this variant is currently unknown. In summary, the available evidence is currently insufficient to determine the role of this variant in disease. Therefore, it has been classified as a Variant of Uncertain Significance.